The following is an entry in ClinVar:

ClinVar aggregate classification (germline): Conflicting classifications of pathogenicity. Review status: criteria provided, conflicting classifications (1 of 4 stars). 11 submissions from 11 submitters: Uncertain significance (10); Likely benign (1). Last evaluated 2026-09-01.

Conditions:
MYH7-related disorder. Also called: MYH7-related disorders; MYH7-related condition; MYH7-related disease.
Congenital myopathy with fiber type disproportion. Also called: Congenital fiber-type disproportion myopathy; Congenital fiber-type disproportion. Identifiers: Orphanet 2020, MedGen C0546264, MONDO:0009711. Inheritance: all.
MYH7-related skeletal myopathy. Also called: Myopathy, distal, 1; MYOPATHY, DISTAL, EARLY-ONSET, AUTOSOMAL DOMINANT; MYOPATHY, LATE DISTAL HEREDITARY; Laing distal myopathy; Laing early-onset distal myopathy. Identifiers: Orphanet 59135, MedGen C4552004, MONDO:0008050, OMIM 160500.
Dilated cardiomyopathy 1S (CMD1S). Identifiers: Orphanet 154, Orphanet 54260, MedGen C1834481, MONDO:0013262, OMIM 613426.
Myopathy, myosin storage, autosomal recessive (CMYO7B). Also called: CONGENITAL MYOPATHY 7B, MYOSIN STORAGE, AUTOSOMAL RECESSIVE. Identifiers: Orphanet 636970, MedGen C1850709, MONDO:0009708, OMIM 255160.
Hypertrophic cardiomyopathy 1 (CMH1). Also called: Familial hypertrophic cardiomyopathy 1; MYH7-Related Familial Hypertrophic Cardiomyopathy. Identifiers: MedGen C3495498, MONDO:0008647, OMIM 192600.
Myosin storage myopathy (CMYO7A). Also called: MYH7-related late-onset scapuloperoneal muscular dystrophy; Congenital myopathy 7A, myosin storage, autosomal dominant; Scapuloperoneal myopathy, MYH7-related; MYOPATHY WITH LYSIS OF TYPE I MYOFIBRILS; SCAPULOPERONEAL MUSCULAR DYSTROPHY; SCAPULOPERONEAL SYNDROME, MYOPATHIC TYPE. Identifiers: Orphanet 437572, Orphanet 636965, MedGen C1842160, MONDO:0008409, OMIM 608358.
Cardiovascular phenotype. Identifiers: MedGen CN230736.
Cardiomyopathy (CMYO). Also called: Cardiomyopathies. Identifiers: Orphanet 167848, MedGen C0878544, MONDO:0004994, HP:0001638. Inheritance: Various modes of inheritance.
Hypertrophic cardiomyopathy. Also called: HYPERTROPHIC MYOCARDIOPATHY. Identifiers: Orphanet 217569, MedGen C0007194, MeSH D002312, MONDO:0005045, HP:0001639.

Allele frequency attached by ClinVar (database versions not stated): gnomAD 0.00002; ExAC 0.00006; gnomAD exomes 0.00002 and 0.00004; ESP Exome Variant Server 0.00008; TOPMed 0.00004.
gnomAD v4.1: 42 of 1,613,536 alleles (0.0026%); highest among the groups gnomAD compares: Middle Eastern, 0.018%; no homozygotes.

Submissions (11):

CeGaT Center for Human Genetics Tuebingen
Classification: Uncertain significance. Last evaluated: 2026-09-01. Review status: criteria provided, single submitter. Criteria: CeGaT Center For Human Genetics Tuebingen Variant Classification Criteria Version 2. Collection method: clinical testing. Allele origin: germline. Affected: yes. Observed: 1 variant allele.
Comment: MYH7: PM2:Supporting, BP4

Labcorp Genetics (formerly Invitae), Labcorp
Classification: Uncertain significance for Hypertrophic cardiomyopathy. Last evaluated: 2026-01-31. Review status: criteria provided, single submitter. Criteria: Invitae Variant Classification Sherloc (09022015). Collection method: clinical testing. Allele origin: germline.
Comment: This sequence change replaces valine, which is neutral and non-polar, with isoleucine, which is neutral and non-polar, at codon 1360 of the MYH7 protein (p.Val1360Ile). This variant is present in population databases (rs373231077, gnomAD 0.006%). This missense change has been observed in individual(s) with hypertrophic cardiomyopathy (PMID: 25132132, 27247418, 27532257, 37652022). ClinVar contains an entry for this variant (Variation ID: 42991). Invitae Evidence Modeling of protein sequence and biophysical properties (such as structural, functional, and spatial information, amino acid conservation, physicochemical variation, residue mobility, and thermodynamic stability) indicates that this missense variant is not expected to disrupt MYH7 protein function with a negative predictive value of 95%. In summary, the available evidence is currently insufficient to determine the role of this variant in disease. Therefore, it has been classified as a Variant of Uncertain Significance.

PreventionGenetics, part of Exact Sciences
Classification: Uncertain significance for MYH7-related condition. Last evaluated: 2026-01-12. Review status: criteria provided, single submitter. Criteria: ACMG Guidelines, 2015. Collection method: clinical testing. Allele origin: germline.
Comment: The MYH7 c.4078G>A variant is predicted to result in the amino acid substitution p.Val1360Ile. This variant has been reported in individuals with hypertrophic cardiomyopathy, although no further evidence was provided to determine its pathogenicity (Table S1, Wang et al. 2014. PubMed ID: 25132132; Dataset S1, Homburger et al. 2016. PubMed ID: 27247418; Table S1B, Walsh et al. 2017. PubMed ID: 27532257; Table S8, McGurk et al. 2023. PubMed ID: 37652022). This variant is reported in 0.0062% of alleles in individuals of European (Non-Finnish) descent in gnomAD. At this time, the clinical significance of this variant is uncertain due to the absence of conclusive functional and genetic evidence.

Color Diagnostics, LLC DBA Color Health
Classification: Uncertain significance for Cardiomyopathy. Last evaluated: 2024-11-25. Review status: criteria provided, single submitter. Criteria: ACMG Guidelines, 2015. Collection method: clinical testing. Allele origin: germline.
Comment: This missense variant replaces valine with isoleucine at codon 1360 of the MYH7 protein. Computational prediction tool is inconclusive regarding the impact of this variant on protein structure and function. To our knowledge, functional studies have not been reported for this variant. This variant has been reported in individuals affected with hypertrophic cardiomyopathy (PMID: 25132132, 27247418, 27532257). This variant has been identified in 10/282832 chromosomes in the general population by the Genome Aggregation Database (gnomAD). The available evidence is insufficient to determine the role of this variant in disease conclusively. Therefore, this variant is classified as a Variant of Uncertain Significance.

Blueprint Genetics
Classification: Uncertain significance. Last evaluated: 2024-04-09. Review status: criteria provided, single submitter. Criteria: ACMG Guidelines, 2015. Collection method: clinical testing. Allele origin: germline.

All of Us Research Program, National Institutes of Health
Classification: Uncertain significance for Cardiomyopathy. Last evaluated: 2024-02-05. Review status: criteria provided, single submitter. Criteria: ACMG Guidelines, 2015. Collection method: clinical testing. Allele origin: germline. Inheritance: Autosomal dominant inheritance. Observed: 15 variant alleles, 15 heterozygotes.
Comment: This missense variant replaces valine with isoleucine at codon 1360 of the MYH7 protein. Computational prediction is inconclusive regarding the impact of this variant on protein structure and function (internally defined REVEL score threshold 0.5 < inconclusive < 0.7, PMID: 27666373). To our knowledge, functional studies have not been reported for this variant. This variant has been reported in three individuals affected with hypertrophic cardiomyopathy (PMID: 25132132, 27247418, 27532257). This variant has been identified in 10/282832 chromosomes in the general population by the Genome Aggregation Database (gnomAD). The available evidence is insufficient to determine the role of this variant in disease conclusively. Therefore, this variant is classified as a Variant of Uncertain Significance.

This study involves interpretation of variants in research participants for the purpose of population health screening. Participant phenotype was not available at the time of variant classification. Additional details can be found in publication PMID: 35346344, PMCID: PMC8962531

Ambry Genetics
Classification: Likely benign for Cardiovascular phenotype. Last evaluated: 2024-02-01. Review status: criteria provided, single submitter. Criteria: Ambry Variant Classification Scheme 2023. Collection method: clinical testing. Allele origin: germline.

Fulgent Genetics
Classification: Uncertain significance for MYH7-related skeletal myopathy; Myosin storage myopathy; Hypertrophic cardiomyopathy 1; Myopathy, myosin storage, autosomal recessive; Congenital myopathy 4A, autosomal dominant; Dilated cardiomyopathy 1S. Last evaluated: 2021-11-12. Review status: criteria provided, single submitter. Criteria: ACMG Guidelines, 2015. Collection method: clinical testing. Allele origin: unknown.

Revvity Omics, Revvity
Classification: Uncertain significance. Last evaluated: 2021-10-06. Review status: criteria provided, single submitter. Criteria: ACMG Guidelines, 2015. Collection method: clinical testing. Allele origin: germline.

Laboratory for Molecular Medicine, Mass General Brigham Personalized Medicine
Classification: Uncertain significance. Last evaluated: 2019-08-12. Review status: criteria provided, single submitter. Criteria: LMM Criteria. Collection method: clinical testing. Allele origin: germline. Observed: 2 variant alleles.
Comment: Variant classified as Uncertain Significance - Favor Benign. The p.Val1360Ile variant in MYH7 has been identified in 4 individuals with HCM (Wang 2014, Homburger 2016, LMM data). It has also been identified in 8/129146 European chromosomes by gnomAD and reported in ClinVar (Variation ID #42991). Computational prediction tools and conservation analyses suggest that this variant may not impact the protein, though this information is not predictive enough to rule out pathogenicity. In summary, the clinical significance of this variant is uncertain. ACMG/AMP Criteria applied: BP4.

Stanford Center for Inherited Cardiovascular Disease, Stanford University
Classification: Uncertain significance. Last evaluated: 2014-01-31. Review status: criteria provided, single submitter. Criteria: ACMG Guidelines, 2015. Collection method: provider interpretation. Allele origin: germline.

Literature cited by the submitters: PubMed 25132132 (cited by 5 submitters); PubMed 27247418 (cited by 5 submitters); PubMed 27532257 (cited by 5 submitters); PubMed 37652022 (cited by Labcorp Genetics (formerly Invitae), Labcorp); PubMed 24865491 (cited by Ambry Genetics); PubMed 26743238 (cited by Ambry Genetics); PubMed 34542152 (cited by Ambry Genetics).

NM_000257.4(MYH7):c.4078G>A (p.Val1360Ile)

Gene: MYH7 (myosin heavy chain 7; minus strand). Cytogenetic location: 14q11.2.
Variant type: single nucleotide variant.
Coding change: c.4078G>A on transcript NM_000257.4 (MANE Select); coding-DNA position 4078, G replaced by A.
Protein change: p.Val1360Ile; replaces valine 1360 with isoleucine.
Molecular consequence: missense variant.
Genome position (GRCh38, 1-based): chr14:23,418,301, C>T on the plus strand (G>A on the coding strand, the complement: MYH7 is on the minus strand). VCF-style: chr14-23418301-C-T. GRCh37 (hg19) VCF-style: chr14-23887510-C-T.
Other names: short protein forms V1360I.
Identifiers: ClinVar variation 42991 (VCV000042991.27), dbSNP rs373231077, ClinGen allele CA014435.